The following is an entry in ClinVar:

NM_001211.6(BUB1B):c.1694A>G (p.Glu565Gly)

Gene: BUB1B (BUB1 mitotic checkpoint serine/threonine kinase B; plus strand). Cytogenetic location: 15q15.1.
Variant type: single nucleotide variant.
Coding change: c.1694A>G on transcript NM_001211.6 (MANE Select); coding-DNA position 1694, A replaced by G.
Protein change: p.Glu565Gly; replaces glutamic acid 565 with glycine.
Molecular consequence: missense variant.
Genome position (GRCh38, 1-based): chr15:40,202,654, A>G. VCF-style: chr15-40202654-A-G. GRCh37 (hg19) VCF-style: chr15-40494855-A-G.
Other names: short protein forms E565G.
Identifiers: ClinVar variation 1778194 (VCV001778194.2), dbSNP rs2542559494, ClinGen allele CA391691662.

ClinVar aggregate classification (germline): Uncertain significance (1 of 4 stars; one submission).

Conditions:
Inborn genetic diseases. Identifiers: MedGen C0950123, MeSH D030342.

Allele frequency attached by ClinVar (database versions not stated): gnomAD exomes below 0.00001.
gnomAD v4.1: 1 of 1,614,124 alleles (0.000062%); highest among the groups gnomAD compares: Non-Finnish European, 0.000085%; no homozygotes.

Submission:

Ambry Genetics
Classification: Uncertain significance for Inborn genetic diseases. Last evaluated: 2022-10-24. Review status: criteria provided, single submitter. Criteria: Ambry Variant Classification Scheme 2023. Collection method: clinical testing. Allele origin: germline.
Comment: The p.E565G variant (also known as c.1694A>G), located in coding exon 14 of the BUB1B gene, results from an A to G substitution at nucleotide position 1694. The glutamic acid at codon 565 is replaced by glycine, an amino acid with similar properties. This amino acid position is conserved. In addition, this alteration is predicted to be tolerated by in silico analysis. Since supporting evidence is limited at this time, the clinical significance of this alteration remains unclear.